The following is an entry in ClinVar:

NM_000186.4(CFH):c.2004T>C (p.Pro668=)

Gene: CFH (complement factor H; plus strand). Cytogenetic location: 1q31.3.
Variant type: single nucleotide variant.
Coding change: c.2004T>C on transcript NM_000186.4 (MANE Select); coding-DNA position 2004, T replaced by C.
Protein change: p.Pro668=; no amino-acid change (proline 668 retained).
Molecular consequence: synonymous variant.
Genome position (GRCh38, 1-based): chr1:196,726,600, T>C. VCF-style: chr1-196726600-T-C. GRCh37 (hg19) VCF-style: chr1-196695730-T-C.
Identifiers: ClinVar variation 3771806 (VCV003771806.13).

ClinVar aggregate classification (germline): Likely benign (1 of 4 stars; one submission).

gnomAD v4.1: 1 of 1,612,026 alleles (0.000062%); highest among the groups gnomAD compares: Non-Finnish European, 0.000085%; no homozygotes.

Submission:

CeGaT Center for Human Genetics Tuebingen
Classification: Likely benign. Last evaluated: 2025-02-01. Review status: criteria provided, single submitter. Criteria: CeGaT Center For Human Genetics Tuebingen Variant Classification Criteria Version 2. Collection method: clinical testing. Allele origin: germline. Affected: yes. Observed: 1 variant allele.
Comment: CFH: BP4, BP7